The following is an entry in ClinVar:

NM_031471.6(FERMT3):c.431C>G (p.Ala144Gly)

Gene: FERMT3 (FERM domain containing kindlin 3; plus strand). Cytogenetic location: 11q13.1.
Variant type: single nucleotide variant.
Coding change: c.431C>G on transcript NM_031471.6 (MANE Select); coding-DNA position 431, C replaced by G.
Protein change: p.Ala144Gly; replaces alanine 144 with glycine.
Molecular consequence: missense variant. On other transcripts: 5 prime UTR variant (2).
Genome position (GRCh38, 1-based): chr11:64,211,088, C>G. VCF-style: chr11-64211088-C-G. GRCh37 (hg19) VCF-style: chr11-63978560-C-G.
Other names: c.431C>G, p.Ala144Gly (NM_001382361.1, NM_001382362.1, NM_001382448.1 and 1 more transcripts); c.-110C>G (NM_001382363.1, NM_001382364.1); short protein forms A144G.
Identifiers: ClinVar variation 1969140 (VCV001969140.5), dbSNP rs778511386, ClinGen allele CA381081830.

ClinVar aggregate classification (germline): Uncertain significance (1 of 4 stars; one submission).

Conditions:
Leukocyte adhesion deficiency 3. Also called: INTEGRIN ACTIVATION DEFICIENCY DISEASE; LEUKOCYTE ADHESION DEFICIENCY 1 VARIANT; Leukocyte adhesion deficiency, type III. Identifiers: Orphanet 2968, Orphanet 99844, MedGen C2748536, MONDO:0013016, OMIM 612840.

Submission:

Labcorp Genetics (formerly Invitae), Labcorp
Classification: Uncertain significance for Leukocyte adhesion deficiency 3. Last evaluated: 2021-12-19. Review status: criteria provided, single submitter. Criteria: Invitae Variant Classification Sherloc (09022015). Collection method: clinical testing. Allele origin: germline.
Comment: This sequence change replaces alanine, which is neutral and non-polar, with glycine, which is neutral and non-polar, at codon 144 of the FERMT3 protein (p.Ala144Gly). This variant is not present in population databases (gnomAD no frequency). This variant has not been reported in the literature in individuals affected with FERMT3-related conditions. Algorithms developed to predict the effect of missense changes on protein structure and function (SIFT, PolyPhen-2, Align-GVGD) all suggest that this variant is likely to be tolerated. In summary, the available evidence is currently insufficient to determine the role of this variant in disease. Therefore, it has been classified as a Variant of Uncertain Significance.